The following is an entry in ClinVar:

NM_000257.4(MYH7):c.836C>T (p.Ala279Val)

Gene: MYH7 (myosin heavy chain 7; minus strand). Cytogenetic location: 14q11.2.
Variant type: single nucleotide variant.
Coding change: c.836C>T on transcript NM_000257.4 (MANE Select); coding-DNA position 836, C replaced by T.
Protein change: p.Ala279Val; replaces alanine 279 with valine.
Molecular consequence: missense variant.
Genome position (GRCh38, 1-based): chr14:23,430,960, G>A on the plus strand (C>T on the coding strand, the complement: MYH7 is on the minus strand). VCF-style: chr14-23430960-G-A. GRCh37 (hg19) VCF-style: chr14-23900169-G-A.
Other names: c.836C>T, p.Ala279Val (NM_001407004.1); short protein forms A279V.
Identifiers: ClinVar variation 2745985 (VCV002745985.3), dbSNP rs2502310202, ClinGen allele CA389051937.
Genomic context (GRCh38, chr14:23,430,960, plus strand): 5'-CCCAGCAGCTCAGGCTTTTTGTTAGACAGGATTTGGTAGAAAATGTGATAATCTCTCTCT[G>A]CTTTCAGCTGGAAAATAACTCTGGATTTTTCCAGAAGATCTGTGAACAGGTGGGGAGAAG-3'
Protein context (NP_000248.2, residues 269-289): EKSRVIFQLK[Ala279Val]ERDYHIFYQI

ClinVar aggregate classification (germline): Uncertain significance (1 of 4 stars; one submission).

Conditions:
Hypertrophic cardiomyopathy. Also called: HYPERTROPHIC MYOCARDIOPATHY. Identifiers: Orphanet 217569, MedGen C0007194, MeSH D002312, MONDO:0005045, HP:0001639.

Submission:

Labcorp Genetics (formerly Invitae), Labcorp
Classification: Uncertain significance for Hypertrophic cardiomyopathy. Last evaluated: 2023-08-01. Review status: criteria provided, single submitter. Criteria: Invitae Variant Classification Sherloc (09022015). Collection method: clinical testing. Allele origin: germline.
Comment: In summary, the available evidence is currently insufficient to determine the role of this variant in disease. Therefore, it has been classified as a Variant of Uncertain Significance. Advanced modeling of protein sequence and biophysical properties (such as structural, functional, and spatial information, amino acid conservation, physicochemical variation, residue mobility, and thermodynamic stability) performed at Invitae indicates that this missense variant is expected to disrupt MYH7 protein function. This variant has not been reported in the literature in individuals affected with MYH7-related conditions. This variant is not present in population databases (gnomAD no frequency). This sequence change replaces alanine, which is neutral and non-polar, with valine, which is neutral and non-polar, at codon 279 of the MYH7 protein (p.Ala279Val).